The following is an entry in ClinVar:

ClinVar aggregate classification (germline): Uncertain significance (1 of 4 stars; one submission).

Allele frequency attached by ClinVar (database versions not stated): gnomAD exomes below 0.00001.
gnomAD v4.1: 1 of 1,614,206 alleles (0.000062%); highest among the groups gnomAD compares: Non-Finnish European, 0.000085%; no homozygotes.

Submission:

Labcorp Genetics (formerly Invitae), Labcorp
Classification: Uncertain significance. Last evaluated: 2022-03-18. Review status: criteria provided, single submitter. Criteria: Invitae Variant Classification Sherloc (09022015). Collection method: clinical testing. Allele origin: germline.
Comment: This sequence change replaces tryptophan, which is neutral and slightly polar, with cysteine, which is neutral and slightly polar, at codon 80 of the SETBP1 protein (p.Trp80Cys). This variant is not present in population databases (gnomAD no frequency). This variant has not been reported in the literature in individuals affected with SETBP1-related conditions. Algorithms developed to predict the effect of missense changes on protein structure and function are either unavailable or do not agree on the potential impact of this missense change (SIFT: "Deleterious"; PolyPhen-2: "Probably Damaging"; Align-GVGD: "Class C0"). In summary, the available evidence is currently insufficient to determine the role of this variant in disease. Therefore, it has been classified as a Variant of Uncertain Significance.

NM_015559.3(SETBP1):c.240G>T (p.Trp80Cys)

Gene: SETBP1 (SET binding protein 1; plus strand). Cytogenetic location: 18q12.3.
Variant type: single nucleotide variant.
Coding change: c.240G>T on transcript NM_015559.3 (MANE Select); coding-DNA position 240, G replaced by T.
Protein change: p.Trp80Cys; replaces tryptophan 80 with cysteine.
Molecular consequence: missense variant.
Genome position (GRCh38, 1-based): chr18:44,701,586, G>T. VCF-style: chr18-44701586-G-T. GRCh37 (hg19) VCF-style: chr18-42281551-G-T.
Other names: c.240G>T, p.Trp80Cys (NM_001130110.2, NM_001379141.1, NM_001379142.1 and 1 more transcripts); short protein forms W80C.
Identifiers: ClinVar variation 2113401 (VCV002113401.4), dbSNP rs2511333108, ClinGen allele CA402481734.